The following is an entry in ClinVar:

ClinVar aggregate classification (germline): Conflicting classifications of pathogenicity. Review status: criteria provided, conflicting classifications (1 of 4 stars). 4 submissions from 4 submitters: Uncertain significance (1); Likely benign (3). Last evaluated 2026-04-01.

Conditions:
FLAD1-related disorder. Also called: FLAD1-related condition.

Allele frequency attached by ClinVar (database versions not stated): gnomAD 0.00040 and 0.00046; ESP Exome Variant Server 0.00046; TOPMed 0.00053; gnomAD exomes 0.00057; ExAC 0.00065; 1000 Genomes Project 30x 0.00078; 1000 Genomes Project 0.00080.
gnomAD v4.1: 843 of 1,614,198 alleles (0.052%); highest among the groups gnomAD compares: South Asian, 0.2%; 2 homozygotes.

Submissions (4):

CeGaT Center for Human Genetics Tuebingen
Classification: Likely benign. Last evaluated: 2026-04-01. Review status: criteria provided, single submitter. Criteria: CeGaT Center For Human Genetics Tuebingen Variant Classification Criteria Version 2. Collection method: clinical testing. Allele origin: germline. Affected: yes. Observed: 2 variant alleles.
Comment: FLAD1: BS2

Labcorp Genetics (formerly Invitae), Labcorp
Classification: Likely benign. Last evaluated: 2026-01-17. Review status: criteria provided, single submitter. Criteria: Invitae Variant Classification Sherloc (09022015). Collection method: clinical testing. Allele origin: germline.

PreventionGenetics, part of Exact Sciences
Classification: Likely benign for FLAD1-related condition. Last evaluated: 2025-08-11. Review status: criteria provided, single submitter. Criteria: ACMG Guidelines, 2015. Collection method: clinical testing. Allele origin: germline.
Comment: This variant is classified as likely benign based on ACMG/AMP sequence variant interpretation guidelines (Richards et al. 2015 PMID: 25741868, with internal and published modifications).

Mayo Clinic Laboratories, Mayo Clinic
Classification: Uncertain significance. Last evaluated: 2023-09-15. Review status: criteria provided, single submitter. Criteria: ACMG Guidelines, 2015. Collection method: clinical testing. Allele origin: germline. Observed: 1 variant allele.
Comment: BS1

NM_025207.5(FLAD1):c.443G>A (p.Arg148Gln)

Gene: FLAD1 (flavin adenine dinucleotide synthetase 1; plus strand). Cytogenetic location: 1q21.3.
Variant type: single nucleotide variant.
Coding change: c.443G>A on transcript NM_025207.5 (MANE Select); coding-DNA position 443, G replaced by A.
Protein change: p.Arg148Gln; replaces arginine 148 with glutamine.
Molecular consequence: missense variant.
Genome position (GRCh38, 1-based): chr1:154,988,175, G>A. VCF-style: chr1-154988175-G-A. GRCh37 (hg19) VCF-style: chr1-154960651-G-A.
Other names: p.Arg148Gln; c.443G>A (NM_025207.4); c.152G>A, p.Arg51Gln (NM_001184891.2, NM_201398.3); c.146G>A, p.Arg49Gln (NM_001184892.2); short protein forms R148Q, R49Q, R51Q.
Identifiers: ClinVar variation 1645535 (VCV001645535.32), dbSNP rs140409443, ClinGen allele CA1134332.